The following is an entry in ClinVar:

ClinVar aggregate classification (germline): Uncertain significance. Review status: criteria provided, multiple submitters, no conflicts (2 of 4 stars). 2 submissions from 2 submitters: Uncertain significance (2). Last evaluated 2023-10-10.

Conditions:
Abnormal digit morphology. Also called: Abnormality of digit. Identifiers: MedGen C3550704, HP:0011297.
Venous malformation (VM). Identifiers: MedGen C2937220, HP:0012721. Disease mechanism: gain of function.
Hypertelorism. Identifiers: MedGen C0020534, OMIM 145400, HP:0000316.
Dural ectasia. Identifiers: MedGen C1851712, HP:0100775.
Ehlers-Danlos syndrome, classic type, 1 (EDSCL1). Also called: Ehlers-Danlos Syndrome, Classic Type, COL5A1-Related; EDS I; Ehlers-Danlos syndrome, type 1; EHLERS-DANLOS SYNDROME, GRAVIS TYPE; EHLERS-DANLOS SYNDROME, SEVERE CLASSIC TYPE. Identifiers: MedGen C0268335, MONDO:0019567, OMIM 130000.

Allele frequency attached by ClinVar (database versions not stated): gnomAD exomes below 0.00001.
gnomAD v4.1: 1 of 1,604,448 alleles (0.000062%); highest among the groups gnomAD compares: Non-Finnish European, 0.000085%; no homozygotes.

Submissions (2):

Labcorp Genetics (formerly Invitae), Labcorp
Classification: Uncertain significance for Ehlers-Danlos syndrome, classic type, 1. Last evaluated: 2023-10-10. Review status: criteria provided, single submitter. Criteria: Invitae Variant Classification Sherloc (09022015). Collection method: clinical testing. Allele origin: germline.
Comment: This sequence change replaces proline, which is neutral and non-polar, with serine, which is neutral and polar, at codon 1254 of the COL5A1 protein (p.Pro1254Ser). This variant is not present in population databases (gnomAD no frequency). This variant has not been reported in the literature in individuals affected with COL5A1-related conditions. ClinVar contains an entry for this variant (Variation ID: 523325). Advanced modeling of protein sequence and biophysical properties (such as structural, functional, and spatial information, amino acid conservation, physicochemical variation, residue mobility, and thermodynamic stability) performed at Invitae indicates that this missense variant is not expected to disrupt COL5A1 protein function. In summary, the available evidence is currently insufficient to determine the role of this variant in disease. Therefore, it has been classified as a Variant of Uncertain Significance.

Centre for Mendelian Genomics, University Medical Centre Ljubljana
Classification: Uncertain significance for Abnormal digit morphology; Dural ectasia; Hypertelorism; Venous malformation. Last evaluated: 2017-01-01. Review status: criteria provided, single submitter. Criteria: ACMG Guidelines, 2015. Collection method: clinical testing. Allele origin: unknown. Affected: yes.

NM_000093.5(COL5A1):c.3760C>T (p.Pro1254Ser)

Gene: COL5A1 (collagen type V alpha 1 chain; plus strand). Cytogenetic location: 9q34.3.
Variant type: single nucleotide variant.
Coding change: c.3760C>T on transcript NM_000093.5 (MANE Select); coding-DNA position 3760, C replaced by T.
Protein change: p.Pro1254Ser; replaces proline 1254 with serine.
Molecular consequence: missense variant.
Genome position (GRCh38, 1-based): chr9:134,812,620, C>T. VCF-style: chr9-134812620-C-T. GRCh37 (hg19) VCF-style: chr9-137704466-C-T.
Other names: c.3760C>T, p.Pro1254Ser (NM_001278074.1); short protein forms P1254S.
Identifiers: ClinVar variation 523325 (VCV000523325.5), dbSNP rs1554805125, ClinGen allele CA375454833.